The following is an entry in ClinVar:

NM_000154.2(GALK1):c.784G>T (p.Glu262Ter)

Gene: GALK1 (galactokinase 1; minus strand). Cytogenetic location: 17q25.1.
Variant type: single nucleotide variant.
Coding change: c.784G>T on transcript NM_000154.2 (MANE Select); coding-DNA position 784, G replaced by T.
Protein change: p.Glu262Ter; replaces glutamic acid 262 with a stop codon.
Molecular consequence: nonsense.
Genome position (GRCh38, 1-based): chr17:75,762,713, C>A on the plus strand (G>T on the coding strand, the complement: GALK1 is on the minus strand). VCF-style: chr17-75762713-C-A. GRCh37 (hg19) VCF-style: chr17-73758794-C-A.
Other names: c.784G>T, p.Glu262Ter (NM_001381985.1); short protein forms E262*.
Identifiers: ClinVar variation 983814 (VCV000983814.3), dbSNP rs2061592335, ClinGen allele CA401102662.

ClinVar aggregate classification (germline): Likely pathogenic (1 of 4 stars; one submission).

Conditions:
Deficiency of galactokinase. Also called: GALACTOSEMIA II; Galactokinase deficiency with cataracts. Identifiers: Orphanet 352, Orphanet 79237, MedGen C0268155, MONDO:0009255, OMIM 230200.

Submission:

Myriad Genetics, Inc.
Classification: Likely pathogenic for Deficiency of galactokinase. Last evaluated: 2019-12-21. Review status: criteria provided, single submitter. Criteria: Myriad Women's Health Autosomal Recessive and X-Linked Classification Criteria (2019). Collection method: clinical testing. Allele origin: unknown.
Comment: NM_000154.1(GALK1):c.784G>T(E262*) is expected to be pathogenic in the context of galactokinase deficiency. This variant is predicted to lead to an abnormal or absent protein product due to the creation of a premature termination codon in GALK1, a gene where loss-of-function variants are known to be pathogenic. Please note: this variant was assessed in the context of healthy population screening.